The following is an entry in ClinVar:

NM_000143.4(FH):c.35G>C (p.Arg12Pro)

Gene: FH (fumarate hydratase; minus strand). Cytogenetic location: 1q43.
Variant type: single nucleotide variant.
Coding change: c.35G>C on transcript NM_000143.4 (MANE Select); coding-DNA position 35, G replaced by C.
Protein change: p.Arg12Pro; replaces arginine 12 with proline.
Molecular consequence: missense variant.
Genome position (GRCh38, 1-based): chr1:241,519,688, C>G on the plus strand (G>C on the coding strand, the complement: FH is on the minus strand). VCF-style: chr1-241519688-C-G. GRCh37 (hg19) VCF-style: chr1-241682988-C-G.
Other names: short protein forms R12P.
Identifiers: ClinVar variation 3515103 (VCV003515103.1).
Genomic context (GRCh38, chr1:241,519,688, plus strand): 5'-GCCGCGCCACCCAAGCCGGGAGCCGAAGCTAAGGCTGCGGCTGGAGCCCGCACGAGGGGA[C>G]GCGAGCGCGCGAGGAGCCGAAGTGCTCGGTACATGGTGCTGAGGGAGCTTGGGTAGAATT-3'
Protein context (NP_000134.2, residues 2-22): YRALRLLARS[Arg12Pro]PLVRAPAAAL

ClinVar aggregate classification (germline): Uncertain significance (1 of 4 stars; one submission).

Conditions:
Hereditary cancer-predisposing syndrome. Also called: Tumor predisposition; Neoplastic Syndromes, Hereditary; Hereditary Cancer Syndrome; Hereditary neoplastic syndrome. Identifiers: Orphanet 140162, MedGen C0027672, MeSH D009386, MONDO:0015356.

gnomAD v4.1: 1 of 1,546,830 alleles (0.000065%); highest among the groups gnomAD compares: South Asian, 0.0012%; no homozygotes.

Submission:

Ambry Genetics
Classification: Uncertain significance for Hereditary cancer-predisposing syndrome. Last evaluated: 2024-09-19. Review status: criteria provided, single submitter. Criteria: Ambry Variant Classification Scheme 2023. Collection method: clinical testing. Allele origin: germline.
Comment: The p.R12P variant (also known as c.35G>C), located in coding exon 1 of the FH gene, results from a G to C substitution at nucleotide position 35. The arginine at codon 12 is replaced by proline, an amino acid with dissimilar properties. This amino acid position is conserved. In addition, the in silico prediction for this alteration is inconclusive. Based on the available evidence, the clinical significance of this variant remains unclear.